The following is an entry in ClinVar:

NM_000350.3(ABCA4):c.2603del (p.Pro868fs)

Gene: ABCA4 (ATP binding cassette subfamily A member 4; minus strand). Cytogenetic location: 1p22.1.
Variant type: Deletion.
Coding change: c.2603del on transcript NM_000350.3 (MANE Select); coding-DNA position 2603, one base deleted (C; older notation c.2603delC).
Protein change: p.Pro868fs; shifts the reading frame from proline 868.
Molecular consequence: frameshift variant.
Genome position (GRCh38, 1-based): chr1:94,051,683, G deleted on the plus strand (C on the coding strand, the reverse complement: ABCA4 is on the minus strand); the first of 4 consecutive G bases (chr1:94,051,683-94,051,686); deleting any one gives the same sequence. VCF-style (leftmost placement, unchanged base first): chr1-94051682-TG-T. GRCh37 (hg19) VCF-style: chr1-94517238-TG-T.
Other names: c.2378delC, p.Pro794Hisfs (NM_001425324.1); short protein forms P868fs.
Identifiers: ClinVar variation 942176 (VCV000942176.8), dbSNP rs751791095, ClinGen allele CA958221.

ClinVar aggregate classification (germline): Pathogenic. Review status: criteria provided, multiple submitters, no conflicts (2 of 4 stars). 2 submissions from 2 submitters: Pathogenic (2). Last evaluated 2025-12-01.

Conditions:
ABCA4-related disorder. Also called: ABCA4-related disorders; ABCA4-related condition. Identifiers: MedGen CN239167.

Submissions (2):

Labcorp Genetics (formerly Invitae), Labcorp
Classification: Pathogenic. Last evaluated: 2025-12-01. Review status: criteria provided, single submitter. Criteria: Invitae Variant Classification Sherloc (09022015). Collection method: clinical testing. Allele origin: germline.
Comment: This sequence change creates a premature translational stop signal (p.Pro868Hisfs*33) in the ABCA4 gene. It is expected to result in an absent or disrupted protein product. Loss-of-function variants in ABCA4 are known to be pathogenic (PMID: 10958761, 24938718, 25312043, 26780318). This variant is not present in population databases (gnomAD no frequency). This variant has not been reported in the literature in individuals affected with ABCA4-related conditions. ClinVar contains an entry for this variant (Variation ID: 942176). For these reasons, this variant has been classified as Pathogenic.

Blueprint Genetics
Classification: Pathogenic for ABCA4-related disorders. Last evaluated: 2021-11-30. Review status: criteria provided, single submitter. Criteria: ACMG Guidelines, 2015. Collection method: clinical testing. Allele origin: germline. Affected: yes. Observed: 5 variant alleles.

Literature cited by the submitters: PubMed 10958761 (cited by Labcorp Genetics (formerly Invitae), Labcorp); PubMed 24938718 (cited by Labcorp Genetics (formerly Invitae), Labcorp); PubMed 25312043 (cited by Labcorp Genetics (formerly Invitae), Labcorp); PubMed 26780318 (cited by Labcorp Genetics (formerly Invitae), Labcorp).